The following is an entry in ClinVar:

NM_003239.5(TGFB3):c.466dup (p.Val156fs)

Gene: TGFB3 (transforming growth factor beta 3; minus strand). Cytogenetic location: 14q24.3.
Variant type: Duplication.
Coding change: c.466dup on transcript NM_003239.5 (MANE Select); coding-DNA position 466, one base duplicated (G; older notation c.466dupG).
Protein change: p.Val156fs; shifts the reading frame from valine 156.
Molecular consequence: frameshift variant.
Genome position (GRCh38, 1-based): chr14:75,971,605, C duplicated on the plus strand (G on the coding strand, the reverse complement: TGFB3 is on the minus strand); the first of 3 consecutive C bases (chr14:75,971,605-75,971,607); duplicating any one gives the same sequence. VCF-style (leftmost placement, unchanged base first): chr14-75971604-A-AC. GRCh37 (hg19) VCF-style: chr14-76437947-A-AC.
Other names: c.466dup, p.Val156fs (NM_001329938.2, NM_001329939.2); short protein forms V156fs.
Identifiers: ClinVar variation 3632516 (VCV003632516.2).
Genomic context (GRCh38, chr14:75,971,604, plus strand): 5'-AGAGGAGTTACCTGGAAGAGCTCGATCCTCTGCTCATTCCGCTTAGAGCTGGGGTTGGGC[A>AC]CCCGCAAGACCCGGAATTCTGCTCGGAATAGGTTGGTTCTATTTTTCTCCACTGAGGACA-3'

ClinVar aggregate classification (germline): Pathogenic (1 of 4 stars; one submission).

Conditions:
Rienhoff syndrome. Also called: LOEYS-DIETZ SYNDROME 5. Identifiers: MedGen C3810012, MONDO:0014262, OMIM 615582.

Submission:

Labcorp Genetics (formerly Invitae), Labcorp
Classification: Pathogenic for Rienhoff syndrome. Last evaluated: 2025-03-24. Review status: criteria provided, single submitter. Criteria: Invitae Variant Classification Sherloc (09022015). Collection method: clinical testing. Allele origin: germline.
Comment: This sequence change creates a premature translational stop signal (p.Val156Glyfs*7) in the TGFB3 gene. It is expected to result in an absent or disrupted protein product. Loss-of-function variants in TGFB3 are known to be pathogenic (PMID: 25835445, 26188975). This variant is not present in population databases (gnomAD no frequency). This variant has not been reported in the literature in individuals affected with TGFB3-related conditions. For these reasons, this variant has been classified as Pathogenic.

Literature cited by the submitters: PubMed 25835445; PubMed 26188975.